The following is an entry in ClinVar:

ClinVar aggregate classification (germline): Pathogenic (1 of 4 stars; one submission).

Conditions:
Ehlers-Danlos syndrome, classic type, 1 (EDSCL1). Also called: EHLERS-DANLOS SYNDROME, GRAVIS TYPE; EHLERS-DANLOS SYNDROME, SEVERE CLASSIC TYPE; Ehlers-Danlos syndrome, type 1; Ehlers-Danlos Syndrome, Classic Type, COL5A1-Related; EDS I. Identifiers: MedGen C0268335, MONDO:0019567, OMIM 130000.

Submission:

Labcorp Genetics (formerly Invitae), Labcorp
Classification: Pathogenic for Ehlers-Danlos syndrome, classic type, 1. Last evaluated: 2025-04-02. Review status: criteria provided, single submitter. Criteria: Invitae Variant Classification Sherloc (09022015). Collection method: clinical testing. Allele origin: germline.
Comment: This sequence change creates a premature translational stop signal (p.Pro1029Argfs*45) in the COL5A1 gene. It is expected to result in an absent or disrupted protein product. Loss-of-function variants in COL5A1 are known to be pathogenic (PMID: 23587214). This variant is not present in population databases (gnomAD no frequency). This variant has not been reported in the literature in individuals affected with COL5A1-related conditions. For these reasons, this variant has been classified as Pathogenic.

Literature cited by the submitters: PubMed 23587214.

NM_000093.5(COL5A1):c.3086del (p.Pro1029fs)

Gene: COL5A1 (collagen type V alpha 1 chain; plus strand). Cytogenetic location: 9q34.3.
Variant type: Deletion.
Coding change: c.3086del on transcript NM_000093.5 (MANE Select); coding-DNA position 3086, one base deleted (C; older notation c.3086delC).
Protein change: p.Pro1029fs; shifts the reading frame from proline 1029.
Molecular consequence: frameshift variant.
Genome position (GRCh38, 1-based): chr9:134,802,967, C deleted; the last of 2 consecutive C bases (chr9:134,802,966-134,802,967); deleting either gives the same sequence. VCF-style (leftmost placement, unchanged base first): chr9-134802965-TC-T. GRCh37 (hg19) VCF-style: chr9-137694811-TC-T.
Other names: c.3086del, p.Pro1029fs (NM_001278074.1); short protein forms P1029fs.
Identifiers: ClinVar variation 4715662 (VCV004715662.1).
Genomic context (GRCh38, chr9:134,802,965, plus strand): 5'-GGGCCCAATGGGTGAGCGTGGCCACCCTGGGCCCCCTGGACCCCCCGGTGAACAGGGGCT[TC>T]CGGGCCTTGCTGGAAAAGAAGGGACGAAGGTGAGTTTCTGGAGCCTTCTGTGTCAGCTCA-3'